The following is an entry in ClinVar:

ClinVar aggregate classification (germline): Benign/Likely benign. Review status: criteria provided, multiple submitters, no conflicts (2 of 4 stars). 4 submissions from 3 submitters: Benign (1); Likely benign (3). Last evaluated 2021-05-18.

Conditions:
Autosomal recessive nonsyndromic hearing loss 37. Identifiers: Orphanet 90636, MedGen C1843028, MONDO:0011912, OMIM 607821.
Autosomal dominant nonsyndromic hearing loss 22. Also called: Autosomal dominant nonsyndromic deafness 22; DFNA 22. Identifiers: Orphanet 228012, MedGen C2931767, MONDO:0011660, OMIM 606346.

Allele frequency attached by ClinVar (database versions not stated): gnomAD 0.00783 and 0.00972; TOPMed 0.00842; 1000 Genomes Project 30x 0.03076; 1000 Genomes Project 0.03215.

Submissions (4):

GeneDx
Classification: Likely benign. Last evaluated: 2021-05-18. Review status: criteria provided, single submitter. Criteria: GeneDx Variant Classification Process June 2021. Collection method: clinical testing. Allele origin: germline. Affected: yes.

Illumina Laboratory Services, Illumina
Classification: Benign for Autosomal dominant nonsyndromic hearing loss 22. Last evaluated: 2018-01-13. Review status: criteria provided, single submitter. Criteria: ICSL Variant Classification Criteria 13 December 2019. Collection method: clinical testing. Allele origin: germline.
Comment: This variant was observed in the ICSL laboratory as part of a predisposition screen in an ostensibly healthy population. It had not been previously curated by ICSL or reported in the Human Gene Mutation Database (HGMD: prior to June 1st, 2018), and was therefore a candidate for classification through an automated scoring system. Utilizing variant allele frequency, disease prevalence and penetrance estimates, and inheritance mode, an automated score was calculated to assess if this variant is too frequent to cause the disease. Based on the score and internal cut-off values, a variant classified as benign is not then subjected to further curation. The score for this variant resulted in a classification of benign for this disease.

Illumina Laboratory Services, Illumina
Classification: Likely benign for Autosomal recessive nonsyndromic hearing loss 37. Last evaluated: 2018-01-13. Review status: criteria provided, single submitter. Criteria: ICSL Variant Classification Criteria 13 December 2019. Collection method: clinical testing. Allele origin: germline.
Comment: This variant was observed in the ICSL laboratory as part of a predisposition screen in an ostensibly healthy population. It had not been previously curated by ICSL or reported in the Human Gene Mutation Database (HGMD: prior to June 1st, 2018), and was therefore a candidate for classification through an automated scoring system. Utilizing variant allele frequency, disease prevalence and penetrance estimates, and inheritance mode, an automated score was calculated to assess if this variant is too frequent to cause the disease. Based on the score and internal cut-off values, a variant classified as likely benign is not then subjected to further curation. The score for this variant resulted in a classification of likely benign for this disease.

Breakthrough Genomics
Classification: Likely benign. Review status: criteria provided, single submitter. Criteria: ACMG Guidelines, 2015. Collection method: not provided. Allele origin: germline. Inheritance: Autosomal recessive inheritance. Affected: yes.

NM_004999.4(MYO6):c.*3509G>A

Gene: MYO6 (myosin VI; plus strand). Cytogenetic location: 6q14.1.
Variant type: single nucleotide variant.
Coding change: c.*3509G>A on transcript NM_004999.4 (MANE Select); 3509 bases downstream of the stop codon, G replaced by A.
Molecular consequence: 3 prime UTR variant. On other transcripts: non-coding transcript variant (1).
Genome position (GRCh38, 1-based): chr6:75,918,521, G>A. VCF-style: chr6-75918521-G-A. GRCh37 (hg19) VCF-style: chr6-76628238-G-A.
Other names: c.*3509G>A (NM_001300899.2, NM_001368136.1, NM_001368137.1 and 3 more transcripts).
Identifiers: ClinVar variation 358044 (VCV000358044.7), dbSNP rs78129547, ClinGen allele CA10624670.